The following is an entry in ClinVar:

ClinVar aggregate classification (germline): Uncertain significance (1 of 4 stars; one submission).

Conditions:
FRMPD4-related disorder. Also called: FRMPD4-related condition.

Submission:

PreventionGenetics, part of Exact Sciences
Classification: Uncertain significance for FRMPD4-related condition. Last evaluated: 2025-01-07. Review status: criteria provided, single submitter. Criteria: ACMG Guidelines, 2015. Collection method: clinical testing. Allele origin: germline.
Comment: The FRMPD4 c.2293A>T variant is predicted to result in the amino acid substitution p.Met765Leu. To our knowledge, this variant has not been reported in the literature or in a large population database (gnomAD), indicating this variant is rare. At this time, the clinical significance of this variant is uncertain due to the absence of conclusive functional and genetic evidence.

NM_001368397.1(FRMPD4):c.2293A>T (p.Met765Leu)

Gene: FRMPD4 (FERM and PDZ domain containing 4; plus strand). Cytogenetic location: Xp22.2.
Variant type: single nucleotide variant.
Coding change: c.2293A>T on transcript NM_001368397.1 (MANE Select); coding-DNA position 2293, A replaced by T.
Protein change: p.Met765Leu; replaces methionine 765 with leucine.
Molecular consequence: missense variant.
Genome position (GRCh38, 1-based): chrX:12,716,752, A>T. VCF-style: chrX-12716752-A-T. GRCh37 (hg19) VCF-style: chrX-12734871-A-T.
Other names: c.2404A>T, p.Met802Leu (NM_001368395.3, NM_001368398.3); c.2299A>T, p.Met767Leu (NM_001368396.3); c.2284A>T, p.Met762Leu (NM_001368399.3); c.2173A>T, p.Met725Leu (NM_001368400.3); c.2269A>T, p.Met757Leu (NM_001368401.1, NM_001368402.3); c.2293A>T, p.Met765Leu (NM_014728.3); short protein forms M762L, M757L, M765L, M725L, M802L, M767L.
Identifiers: ClinVar variation 4988235 (VCV004988235.1).